The following is an entry in ClinVar:

ClinVar aggregate classification (germline): Uncertain significance. Review status: criteria provided, multiple submitters, no conflicts (2 of 4 stars). 7 submissions from 7 submitters: Uncertain significance (6). 1 of the submissions does not count toward it. Last evaluated 2026-01-21.

Conditions:
Fanconi anemia complementation group N. Also called: PALB2-Related Fanconi Anemia. Identifiers: Orphanet 84, MedGen C1835817, MONDO:0012565, OMIM 610832. Disease mechanism: loss of function.
Pancreatic cancer, susceptibility to, 3. Identifiers: Orphanet 1333, MedGen C3150547, MONDO:0013236, OMIM 613348.
Breast-ovarian cancer, familial, susceptibility to, 5 (BROVCA5). Identifiers: MedGen C5830615, MONDO:0957530, OMIM 620442.
Hereditary cancer-predisposing syndrome. Also called: Tumor predisposition; Hereditary Cancer Syndrome; Neoplastic Syndromes, Hereditary; Hereditary neoplastic syndrome. Identifiers: Orphanet 140162, MedGen C0027672, MeSH D009386, MONDO:0015356.
Breast and/or ovarian cancer. Identifiers: MedGen CN221562.
PALB2-related disorder. Also called: PALB2-related disorders; PALB2-related condition.
Familial cancer of breast. Also called: hereditary breast carcinoma; Hereditary breast cancer; BREAST CANCER, FAMILIAL. Identifiers: Orphanet 227535, MedGen C0346153, MONDO:0016419, OMIM 114480. Disease mechanism: loss of function.

Submissions (7):

Labcorp Genetics (formerly Invitae), Labcorp
Classification: Uncertain significance for Familial cancer of breast. Last evaluated: 2026-01-21. Review status: criteria provided, single submitter. Criteria: Invitae Variant Classification Sherloc (09022015). Collection method: clinical testing. Allele origin: germline.
Comment: This sequence change replaces lysine, which is basic and polar, with asparagine, which is neutral and polar, at codon 43 of the PALB2 protein (p.Lys43Asn). This variant is not present in population databases (gnomAD no frequency). This variant has not been reported in the literature in individuals affected with PALB2-related conditions. ClinVar contains an entry for this variant (Variation ID: 480233). An algorithm developed to predict the effect of missense changes on protein structure and function (PolyPhen-2) suggests that this variant is likely to be disruptive. In summary, the available evidence is currently insufficient to determine the role of this variant in disease. Therefore, it has been classified as a Variant of Uncertain Significance.

Ambry Genetics
Classification: Uncertain significance for Hereditary cancer-predisposing syndrome. Last evaluated: 2025-10-27. Review status: criteria provided, single submitter. Criteria: Ambry Variant Classification Scheme 2023. Collection method: clinical testing. Allele origin: germline.
Comment: The p.K43N variant (also known as c.129G>T), located in coding exon 3 of the PALB2 gene, results from a G to T substitution at nucleotide position 129. The lysine at codon 43 is replaced by asparagine, an amino acid with similar properties. This amino acid position is well conserved on limited species alignment. In addition, this alteration is predicted to be tolerated by in silico analysis. Since supporting evidence is limited at this time, the clinical significance of this alteration remains unclear.

Color Diagnostics, LLC DBA Color Health
Classification: Uncertain significance for Hereditary cancer-predisposing syndrome. Last evaluated: 2024-03-06. Review status: criteria provided, single submitter. Criteria: ACMG Guidelines, 2015. Collection method: clinical testing. Allele origin: germline.
Comment: This missense variant replaces lysine with asparagine at codon 43 of the PALB2 protein. Computational prediction suggests that this variant may not impact protein structure and function (internally defined REVEL score threshold <= 0.5, PMID: 27666373). To our knowledge, functional studies have not been reported for this variant. This variant has not been reported in individuals affected with hereditary cancer in the literature. This variant has not been identified in the general population by the Genome Aggregation Database (gnomAD). The available evidence is insufficient to determine the role of this variant in disease conclusively. Therefore, this variant is classified as a Variant of Uncertain Significance.

Blueprint Genetics
Classification: Uncertain significance. Last evaluated: 2023-04-19. Review status: criteria provided, single submitter. Criteria: ACMG Guidelines, 2015. Collection method: clinical testing. Allele origin: germline.

CHEO Genetics Diagnostic Laboratory, Children's Hospital of Eastern Ontario
Classification: Uncertain significance for Breast and/or ovarian cancer. Last evaluated: 2022-03-14. Review status: criteria provided, single submitter. Criteria: ACMG Guidelines, 2015. Collection method: clinical testing. Allele origin: germline.

Department of Pathology and Laboratory Medicine, Sinai Health System
Classification: Uncertain significance for Fanconi anemia complementation group N; Pancreatic cancer, susceptibility to, 3; Breast-ovarian cancer, familial, susceptibility to, 5. Last evaluated: 2019-10-02. Review status: criteria provided, single submitter. Criteria: ACMG Guidelines, 2015. Collection method: clinical testing. Allele origin: germline. Affected: no.

PreventionGenetics, part of Exact Sciences
Classification: Uncertain significance for PALB2-related condition. Last evaluated: 2024-02-08. Review status: no assertion criteria provided. Collection method: clinical testing. Allele origin: germline. Not counted in ClinVar's aggregate classification.
Comment: The PALB2 c.129G>T variant is predicted to result in the amino acid substitution p.Lys43Asn. To our knowledge, this variant has not been reported in the literature or in a large population database, indicating this variant is rare. At this time, the clinical significance of this variant is uncertain due to the absence of conclusive functional and genetic evidence.

NM_024675.4(PALB2):c.129G>T (p.Lys43Asn)

Gene: PALB2 (partner and localizer of BRCA2; minus strand). Cytogenetic location: 16p12.2.
Variant type: single nucleotide variant.
Coding change: c.129G>T on transcript NM_024675.4 (MANE Select); coding-DNA position 129, G replaced by T.
Protein change: p.Lys43Asn; replaces lysine 43 with asparagine.
Molecular consequence: missense variant.
Genome position (GRCh38, 1-based): chr16:23,637,932, C>A on the plus strand (G>T on the coding strand, the complement: PALB2 is on the minus strand). VCF-style: chr16-23637932-C-A. GRCh37 (hg19) VCF-style: chr16-23649253-C-A.
Other names: short protein forms K43N.
Identifiers: ClinVar variation 480233 (VCV000480233.27), dbSNP rs551111938, ClinGen allele CA279501874.